The following is an entry in ClinVar:

ClinVar aggregate classification (germline): Uncertain significance (1 of 4 stars; one submission).

Conditions:
Malignant hyperthermia, susceptibility to, 1 (MHS1). Also called: RYR1-Related Malignant Hyperthermia Susceptibility; Malignant hyperthermia suceptibility 1; Anesthesia related hyperthermia; Malignant hyperpyrexia; Fulminating hyperpyrexia; Pharmacogenic myopathy. Identifiers: Orphanet 423, MedGen C2930980, MONDO:0007783, OMIM 145600.

Submission:

Color Diagnostics, LLC DBA Color Health
Classification: Uncertain significance for Malignant hyperthermia, susceptibility to, 1. Last evaluated: 2025-10-20. Review status: criteria provided, single submitter. Criteria: ACMG Guidelines, 2015. Collection method: clinical testing. Allele origin: germline.
Comment: This missense variant replaces histidine with tyrosine at codon 2417 of the RYR1 protein. Computational prediction suggests that this variant may have deleterious impact on protein structure and function. To our knowledge, functional studies have not been reported for this variant. This variant has not been reported in individuals affected with RYR1-related disorders in the literature. This variant has not been identified in the general population by the Genome Aggregation Database (gnomAD). The available evidence is insufficient to determine the role of this variant in disease conclusively. Therefore, this variant is classified as a Variant of Uncertain Significance.

NM_000540.3(RYR1):c.7249C>T (p.His2417Tyr)

Gene: RYR1 (ryanodine receptor 1; plus strand). Cytogenetic location: 19q13.2.
Variant type: single nucleotide variant.
Coding change: c.7249C>T on transcript NM_000540.3 (MANE Select); coding-DNA position 7249, C replaced by T.
Protein change: p.His2417Tyr; replaces histidine 2417 with tyrosine.
Molecular consequence: missense variant.
Genome position (GRCh38, 1-based): chr19:38,499,942, C>T. VCF-style: chr19-38499942-C-T. GRCh37 (hg19) VCF-style: chr19-38990582-C-T.
Other names: c.7249C>T, p.His2417Tyr (NM_001042723.2); short protein forms H2417Y.
Identifiers: ClinVar variation 4758624 (VCV004758624.1).